The following is an entry in ClinVar:

NM_005050.4(ABCD4):c.688C>T (p.Arg230Trp)

Gene: ABCD4 (ATP binding cassette subfamily D member 4; minus strand). Cytogenetic location: 14q24.3.
Variant type: single nucleotide variant.
Coding change: c.688C>T on transcript NM_005050.4 (MANE Select); coding-DNA position 688, C replaced by T.
Protein change: p.Arg230Trp; replaces arginine 230 with tryptophan.
Molecular consequence: missense variant. On other transcripts: 5 prime UTR variant (9), non-coding transcript variant (9), intron variant (2).
Genome position (GRCh38, 1-based): chr14:74,295,179, G>A on the plus strand (C>T on the coding strand, the complement: ABCD4 is on the minus strand). VCF-style: chr14-74295179-G-A. GRCh37 (hg19) VCF-style: chr14-74761882-G-A.
Other names: c.562C>T, p.Arg188Trp (NM_001353591.2, NM_001353592.2); c.427C>T, p.Arg143Trp (NM_001353593.2); c.274C>T, p.Arg92Trp (NM_001353595.2, NM_001353596.2); c.211C>T, p.Arg71Trp (NM_001353598.2, NM_001353599.2, NM_001353600.2 and 2 more transcripts); c.-7C>T (NM_001353602.2, NM_001353603.2, NM_001353604.2 and 6 more transcripts); c.559C>T, p.Arg187Trp (NM_020323.1); c.688C>T, p.Arg230Trp (NM_020325.3); c.407+675C>T (NM_001353594.2); and 1 more; short protein forms R188W, R143W, R187W, R71W, R230W, R92W.
Identifiers: ClinVar variation 2048233 (VCV002048233.4), dbSNP rs778062723, ClinGen allele CA7267108.

ClinVar aggregate classification (germline): Uncertain significance (1 of 4 stars; one submission).

Conditions:
Methylmalonic acidemia with homocystinuria, type cblJ (MAHCJ). Also called: METHYLMALONIC ACIDURIA AND HOMOCYSTINURIA, cblJ TYPE. Identifiers: Orphanet 369955, MedGen C3553915, MONDO:0013925, OMIM 614857.

Allele frequency attached by ClinVar (database versions not stated): TOPMed 0.00001; ExAC 0.00002; gnomAD 0.00003.

Submission:

Labcorp Genetics (formerly Invitae), Labcorp
Classification: Uncertain significance for Methylmalonic acidemia with homocystinuria, type cblJ. Last evaluated: 2022-11-08. Review status: criteria provided, single submitter. Criteria: Invitae Variant Classification Sherloc (09022015). Collection method: clinical testing. Allele origin: germline.
Comment: In summary, the available evidence is currently insufficient to determine the role of this variant in disease. Therefore, it has been classified as a Variant of Uncertain Significance. Advanced modeling of protein sequence and biophysical properties (such as structural, functional, and spatial information, amino acid conservation, physicochemical variation, residue mobility, and thermodynamic stability) performed at Invitae indicates that this missense variant is expected to disrupt ABCD4 protein function. This variant has not been reported in the literature in individuals affected with ABCD4-related conditions. This variant is present in population databases (rs778062723, gnomAD 0.03%). This sequence change replaces arginine, which is basic and polar, with tryptophan, which is neutral and slightly polar, at codon 230 of the ABCD4 protein (p.Arg230Trp).